The following is an entry in ClinVar:

NM_000545.8(HNF1A):c.1544C>A (p.Thr515Lys)

Gene: HNF1A (HNF1 homeobox A; plus strand). Cytogenetic location: 12q24.31.
Variant type: single nucleotide variant.
Coding change: c.1544C>A on transcript NM_000545.8 (MANE Select); coding-DNA position 1544, C replaced by A.
Protein change: p.Thr515Lys; replaces threonine 515 with lysine.
Molecular consequence: missense variant.
Genome position (GRCh38, 1-based): chr12:120,999,310, C>A. VCF-style: chr12-120999310-C-A. GRCh37 (hg19) VCF-style: chr12-121437113-C-A.
Other names: NM_001306179.2:c.1544C>A; NM_000545.8(HNF1A):c.1544C>A; p.Thr515Lys; c.1544C>A, p.Thr515Lys (NM_001306179.2); short protein forms T515K.
Identifiers: ClinVar variation 1342957 (VCV001342957.5), dbSNP rs745460046, ClinGen allele CA6832104.

ClinVar aggregate classification (germline): Benign. Review status: reviewed by expert panel (3 of 4 stars). 2 submissions from 2 submitters: Benign (1). 1 of the submissions does not count toward it. Last evaluated 2026-01-28.

Conditions:
Monogenic diabetes. Identifiers: Orphanet 183625, MedGen C3888631, MONDO:0015967.

gnomAD v4.1: 21 of 1,613,874 alleles (0.0013%); highest among the groups gnomAD compares: African/African-American, 0.02%; no homozygotes.

Submissions (2):

ClinGen Monogenic Diabetes Variant Curation Expert Panel
Classification: Benign for Monogenic diabetes. Last evaluated: 2026-01-28. Review status: reviewed by expert panel. Criteria: ClinGen Diabetes ACMG Specifications HNF1A V3.1.0. Collection method: curation. Allele origin: germline. Inheritance: Autosomal dominant inheritance.
Comment: The c.1544C>A variant in the HNF1 homeobox A gene, HNF1A, causes an amino acid change of threonine to lysine at codon 515 (p.(Thr515Lys)) of NM_000545.8. This variant has a Grpmax Filtering allele frequency in gnomAD v4.1.0 of 0.00012283, which is greater than the MDEP threshold for BA1 (0.0001) (BA1). This variant is predicted to be deleterious by computational evidence, with a REVEL score of 0.7659, which is greater than the MDEP VCEP threshold of 0.70 (PP3). However, functional studies demonstrated the p.Thr515Lys protein has DNA binding above 75% of wild type, indicating that this variant does not impact protein function (PMID: 32910913) (BS3_Supporting). In summary, c.1544C>A meets the criteria to be classified as benign for monogenic diabetes. ACMG/AMP criteria applied, as specified by the ClinGen MDEP (specification version 3.1.0, approved 10/10/2025): BA1, BS3_Supporting, PP3).

Women's Health and Genetics/Laboratory Corporation of America, LabCorp
Classification: Uncertain significance. Last evaluated: 2023-10-25. Review status: criteria provided, single submitter. Criteria: LabCorp Variant Classification Summary - May 2015. Collection method: clinical testing. Allele origin: germline. Not counted in ClinVar's aggregate classification.
Comment: Variant summary: HNF1A c.1544C>A (p.Thr515Lys) results in a non-conservative amino acid change located in the Hepatocyte nuclear factor 1, beta isoform, C-terminal (IPR006897) of the encoded protein sequence. Five of five in-silico tools predict a damaging effect of the variant on protein function. The variant allele was found at a frequency of 3.6e-05 in 251204 control chromosomes. The observed variant frequency in the gnomAD database is higher than the maximum predicted allele frequency for a pathogenic variant in HNF1A. The available data on variant occurrences in the general population are insufficient to allow any conclusion about variant significance. c.1544C>A has been reported in individuals with Maturity Onset Diabetes Of The Young 3 and diabetes (Flannick_2013, Bellanne-Chantelot_2008) without evidence for causality. These reports do not provide unequivocal conclusions about association of the variant with Maturity Onset Diabetes Of The Young 3. At least one publication reports experimental evidence evaluating an impact on protein function demonstrating increased DNA binding activity (Althari_2020). The following publications have been ascertained in the context of this evaluation (PMID: 32910913, 18003757, 24097065, 27899486). One submitter has cited clinical-significance assessments for this variant to ClinVar after 2014 and has classified the variant as likely benign. Based on the evidence outlined above, the variant was classified as VUS-possibly benign.

Literature cited by the submitters: PubMed 32910913 (cited by ClinGen Monogenic Diabetes Variant Curation Expert Panel and Women's Health and Genetics/Laboratory Corporation of America, LabCorp); PubMed 18003757 (cited by Women's Health and Genetics/Laboratory Corporation of America, LabCorp); PubMed 24097065 (cited by Women's Health and Genetics/Laboratory Corporation of America, LabCorp); PubMed 27899486 (cited by Women's Health and Genetics/Laboratory Corporation of America, LabCorp).